The following is an entry in ClinVar:

ClinVar aggregate classification (germline): Uncertain significance. Review status: criteria provided, multiple submitters, no conflicts (2 of 4 stars). 2 submissions from 2 submitters: Uncertain significance (2). Last evaluated 2024-11-05.

Conditions:
Inborn genetic diseases. Identifiers: MedGen C0950123, MeSH D030342.

Submissions (2):

GeneDx
Classification: Uncertain significance. Last evaluated: 2024-11-05. Review status: criteria provided, single submitter. Criteria: GeneDx Variant Classification Process June 2021. Collection method: clinical testing. Allele origin: germline. Affected: yes.
Comment: Not observed at significant frequency in large population cohorts (gnomAD); In silico analysis indicates that this missense variant does not alter protein structure/function; Has not been previously published as pathogenic or benign to our knowledge; Variants in candidate genes are classified as variants of uncertain significance in accordance with ACMG guidelines (PMID: 25741868)

Ambry Genetics
Classification: Uncertain significance for Inborn genetic diseases. Last evaluated: 2023-04-19. Review status: criteria provided, single submitter. Criteria: Ambry Variant Classification Scheme 2023. Collection method: clinical testing. Allele origin: germline.

NM_198551.4(MIA3):c.2372C>G (p.Thr791Arg)

Gene: MIA3 (MIA SH3 domain ER export factor 3; plus strand). Cytogenetic location: 1q41.
Variant type: single nucleotide variant.
Coding change: c.2372C>G on transcript NM_198551.4 (MANE Select); coding-DNA position 2372, C replaced by G.
Protein change: p.Thr791Arg; replaces threonine 791 with arginine.
Molecular consequence: missense variant.
Genome position (GRCh38, 1-based): chr1:222,629,592, C>G. VCF-style: chr1-222629592-C-G. GRCh37 (hg19) VCF-style: chr1-222802934-C-G.
Other names: c.2372C>G, p.Thr791Arg (NM_001324062.2, NM_001324063.2); c.1880C>G, p.Thr627Arg (NM_001324064.2); c.2372C>G (NM_198551.3); short protein forms T791R, T627R.
Identifiers: ClinVar variation 2538575 (VCV002538575.3), dbSNP rs1314390558, ClinGen allele CA344662289.
Genomic context (GRCh38, chr1:222,629,592, plus strand): 5'-CAGATCCAGAAATTGAAGAAAGCAAGCAAGAAACTAGTATGATTTTGGATAGCGAAAAAA[C>G]AAGTGAGACTGCTGCCAAAGGGGTCAACACAGGAGGCAGGGAACCAAATACAATGGTGGA-3'
Protein context (NP_940953.2, residues 781-801): ETSMILDSEK[Thr791Arg]SETAAKGVNT